The following is an entry in ClinVar:

NM_000548.5(TSC2):c.1401C>A (p.Asp467Glu)

Gene: TSC2 (TSC complex subunit 2; plus strand). Cytogenetic location: 16p13.3.
Variant type: single nucleotide variant.
Coding change: c.1401C>A on transcript NM_000548.5 (MANE Select); coding-DNA position 1401, C replaced by A.
Protein change: p.Asp467Glu; replaces aspartic acid 467 with glutamic acid.
Molecular consequence: missense variant. On other transcripts: non-coding transcript variant (5), intron variant (1).
Genome position (GRCh38, 1-based): chr16:2,063,011, C>A. VCF-style: chr16-2063011-C-A. GRCh37 (hg19) VCF-style: chr16-2113012-C-A.
Other names: c.1401C>A, p.Asp467Glu (NM_001077183.3, NM_001114382.3, NM_001363528.2 and 6 more transcripts); c.1290C>A, p.Asp430Glu (NM_001318827.2, NM_001406678.1, NM_001406670.1); c.1254C>A, p.Asp418Glu (NM_001318829.2, NM_001406675.1, NM_001406676.1 and 1 more transcripts); c.801C>A, p.Asp267Glu (NM_001318831.2, NM_001406680.1, NM_001406682.1 and 6 more transcripts); c.1434C>A, p.Asp478Glu (NM_001318832.2); c.1344C>A, p.Asp448Glu (NM_001406677.1); c.939C>A, p.Asp313Glu (NM_001406681.1); c.57C>A, p.Asp19Glu (NM_001406694.1, NM_001406695.1, NM_001406696.1 and 6 more transcripts); and 3 more; short protein forms D313E, D418E, D430E, D448E, D497E, D19E, D467E, D267E.
Identifiers: ClinVar variation 3637190 (VCV003637190.3).
Genomic context (GRCh38, chr16:2,063,011, plus strand): 5'-CAGCAGGCTGCCGTCCCGCAGGAGCGAGTCCCGAGGCGCCGTGCGCATCAAGGTGCTGGA[C>A]GTGCTGTCCTTTGTGCTGCTCATCAACAGGCAGTTCTATGAGGTGCGTGTCCAGGCGGCC-3'
Protein context (NP_000539.2, residues 457-477): SRGAVRIKVL[Asp467Glu]VLSFVLLINR

ClinVar aggregate classification (germline): Uncertain significance. Review status: criteria provided, multiple submitters, no conflicts (2 of 4 stars). 2 submissions from 2 submitters: Uncertain significance (2). Last evaluated 2025-02-09.

Conditions:
Tuberous sclerosis 2 (TSC2). Identifiers: Orphanet 805, MedGen C1860707, MONDO:0013199, OMIM 613254.
Hereditary cancer-predisposing syndrome. Also called: Hereditary Cancer Syndrome; Hereditary neoplastic syndrome; Neoplastic Syndromes, Hereditary; Tumor predisposition. Identifiers: Orphanet 140162, MedGen C0027672, MeSH D009386, MONDO:0015356.

Submissions (2):

Ambry Genetics
Classification: Uncertain significance for Hereditary cancer-predisposing syndrome. Last evaluated: 2025-02-09. Review status: criteria provided, single submitter. Criteria: Ambry Variant Classification Scheme 2023. Collection method: clinical testing. Allele origin: germline.
Comment: The p.D467E variant (also known as c.1401C>A), located in coding exon 13 of the TSC2 gene, results from a C to A substitution at nucleotide position 1401. The aspartic acid at codon 467 is replaced by glutamic acid, an amino acid with highly similar properties. This amino acid position is conserved. In addition, the in silico prediction for this alteration is inconclusive. Based on the available evidence, the clinical significance of this variant remains unclear.

Labcorp Genetics (formerly Invitae), Labcorp
Classification: Uncertain significance for Tuberous sclerosis 2. Last evaluated: 2025-01-16. Review status: criteria provided, single submitter. Criteria: Invitae Variant Classification Sherloc (09022015). Collection method: clinical testing. Allele origin: germline.
Comment: This sequence change replaces aspartic acid, which is acidic and polar, with glutamic acid, which is acidic and polar, at codon 467 of the TSC2 protein (p.Asp467Glu). This variant is not present in population databases (gnomAD no frequency). This variant has not been reported in the literature in individuals affected with TSC2-related conditions. Invitae Evidence Modeling of protein sequence and biophysical properties (such as structural, functional, and spatial information, amino acid conservation, physicochemical variation, residue mobility, and thermodynamic stability) indicates that this missense variant is not expected to disrupt TSC2 protein function with a negative predictive value of 95%. In summary, the available evidence is currently insufficient to determine the role of this variant in disease. Therefore, it has been classified as a Variant of Uncertain Significance.